The following is an entry in ClinVar:

NM_020745.4(AARS2):c.*1473G>T

Gene: AARS2 (alanyl-tRNA synthetase 2, mitochondrial; minus strand). Cytogenetic location: 6p21.1.
Variant type: single nucleotide variant.
Coding change: c.*1473G>T on transcript NM_020745.4 (MANE Select); 1473 bases downstream of the stop codon, G replaced by T.
Molecular consequence: 3 prime UTR variant.
Genome position (GRCh38, 1-based): chr6:44,299,074, C>A on the plus strand (G>T on the coding strand, the complement: AARS2 is on the minus strand). VCF-style: chr6-44299074-C-A. GRCh37 (hg19) VCF-style: chr6-44266811-C-A.
Identifiers: ClinVar variation 910887 (VCV000910887.4), dbSNP rs116579451, ClinGen allele CA138382643.

ClinVar aggregate classification (germline): Benign (1 of 4 stars; one submission).

Conditions:
Combined oxidative phosphorylation defect type 8. Also called: CARDIOMYOPATHY, HYPERTROPHIC MITOCHONDRIAL, FATAL INFANTILE. Identifiers: Orphanet 319504, MedGen C4518839, MONDO:0013570, OMIM 614096.

Allele frequency attached by ClinVar (database versions not stated): 1000 Genomes Project 0.00919; TOPMed 0.00985.
gnomAD v4.1: 1,297 of 152,208 alleles (0.85%); highest among the groups gnomAD compares: African/African-American, 3%; 17 homozygotes.

Submission:

Illumina Laboratory Services, Illumina
Classification: Benign for Combined oxidative phosphorylation defect type 8. Last evaluated: 2018-01-13. Review status: criteria provided, single submitter. Criteria: ICSL Variant Classification Criteria 13 December 2019. Collection method: clinical testing. Allele origin: germline.
Comment: This variant was observed in the ICSL laboratory as part of a predisposition screen in an ostensibly healthy population. It had not been previously curated by ICSL or reported in the Human Gene Mutation Database (HGMD: prior to June 1st, 2018), and was therefore a candidate for classification through an automated scoring system. Utilizing variant allele frequency, disease prevalence and penetrance estimates, and inheritance mode, an automated score was calculated to assess if this variant is too frequent to cause the disease. Based on the score and internal cut-off values, a variant classified as benign is not then subjected to further curation. The score for this variant resulted in a classification of benign for this disease.